The following is an entry in ClinVar:

NM_001323289.2(CDKL5):c.1297T>C (p.Tyr433His)

Gene: CDKL5 (cyclin dependent kinase like 5; plus strand). Cytogenetic location: Xp22.13.
Variant type: single nucleotide variant.
Coding change: c.1297T>C on transcript NM_001323289.2 (MANE Select); coding-DNA position 1297, T replaced by C.
Protein change: p.Tyr433His; replaces tyrosine 433 with histidine.
Molecular consequence: missense variant.
Genome position (GRCh38, 1-based): chrX:18,604,221, T>C. VCF-style: chrX-18604221-T-C. GRCh37 (hg19) VCF-style: chrX-18622341-T-C.
Other names: c.1297T>C, p.Tyr433His (NM_001037343.2, NM_003159.3); short protein forms Y433H.
Identifiers: ClinVar variation 2950136 (VCV002950136.3), dbSNP rs751110235, ClinGen allele CA10360371.

ClinVar aggregate classification (germline): Uncertain significance (1 of 4 stars; one submission).

Conditions:
Developmental and epileptic encephalopathy, 2 (DEE2). Also called: INFANTILE SPASM SYNDROME, X-LINKED 2; CDKL5 deficiency disorder. Identifiers: Orphanet 1934, Orphanet 3451, Orphanet 505652, MedGen C4750718, MONDO:0010396, OMIM 300672.
Angelman syndrome-like. Identifiers: MedGen CN128785.

Allele frequency attached by ClinVar (database versions not stated): gnomAD exomes below 0.00001; ExAC 0.00001.
gnomAD v4.1: 1 of 1,211,833 alleles (0.000083%); highest among the groups gnomAD compares: Non-Finnish European, 0.00011%; no homozygotes.

Submission:

Labcorp Genetics (formerly Invitae), Labcorp
Classification: Uncertain significance for Developmental and epileptic encephalopathy, 2; Angelman syndrome-like. Last evaluated: 2023-10-03. Review status: criteria provided, single submitter. Criteria: Invitae Variant Classification Sherloc (09022015). Collection method: clinical testing. Allele origin: germline.
Comment: This sequence change replaces tyrosine, which is neutral and polar, with histidine, which is basic and polar, at codon 433 of the CDKL5 protein (p.Tyr433His). This variant is present in population databases (rs751110235, gnomAD 0.001%). This variant has not been reported in the literature in individuals affected with CDKL5-related conditions. Advanced modeling of protein sequence and biophysical properties (such as structural, functional, and spatial information, amino acid conservation, physicochemical variation, residue mobility, and thermodynamic stability) has been performed at Invitae for this missense variant, however the output from this modeling did not meet the statistical confidence thresholds required to predict the impact of this variant on CDKL5 protein function. In summary, the available evidence is currently insufficient to determine the role of this variant in disease. Therefore, it has been classified as a Variant of Uncertain Significance.